The following is an entry in ClinVar:

NC_000001.10:g.(?_119427355)_(120529725_?)dup

Genes: HSD3B2 (hydroxy-delta-5-steroid dehydrogenase, 3 beta- and steroid delta-isomerase 2; plus strand), ADAM30 (ADAM metallopeptidase domain 30; minus strand), HAO2 (hydroxyacid oxidase 2; plus strand), HMGCS2 (3-hydroxy-3-methylglutaryl-CoA synthase 2; minus strand), HSD3B1 (hydroxy-delta-5-steroid dehydrogenase, 3 beta- and steroid delta-isomerase 1; plus strand) and 6 more. Cytogenetic location: 1p12.
Variant type: Duplication.
Identifiers: ClinVar variation 1440997 (VCV001440997.4).

ClinVar aggregate classification (germline): Uncertain significance. Review status: criteria provided, single submitter (1 of 4 stars). 2 submissions from 1 submitter: Uncertain significance (1). 1 of the submissions does not count toward it. Last evaluated 2022-08-05.

Conditions:
Hajdu-Cheney syndrome (HJCYS). Also called: ACROOSTEOLYSIS WITH OSTEOPOROSIS AND CHANGES IN SKULL AND MANDIBLE; SERPENTINE FIBULA-POLYCYSTIC KIDNEY SYNDROME; Acroosteolysis dominant type. Identifiers: Orphanet 955, MedGen C0917715, MONDO:0007057, OMIM 102500.

Submissions (2):

Labcorp Genetics (formerly Invitae), Labcorp
Classification: Uncertain significance for Hajdu-Cheney syndrome. Last evaluated: 2022-08-05. Review status: criteria provided, single submitter. Criteria: Invitae Variant Classification Sherloc (09022015). Collection method: clinical testing. Allele origin: germline.
Comment: This variant results in a copy number gain of the genomic region encompassing exon(s) 5-34 of the NOTCH2 gene. This region includes the termination codon of the gene. This copy number gain extends beyond the assayed region for this gene and therefore may encompass additional genes. As the precise location of this event is unknown, it may be in tandem or it may be located elsewhere in the genome. This variant has not been reported in the literature in individuals affected with NOTCH2-related conditions. In summary, the available evidence is currently insufficient to determine the role of this variant in disease. Therefore, it has been classified as a Variant of Uncertain Significance.

Labcorp Genetics (formerly Invitae), Labcorp
Classification: Uncertain significance. Last evaluated: 2021-07-14. Review status: flagged submission. Criteria: Invitae Variant Classification Sherloc (09022015). Collection method: clinical testing. Allele origin: germline. Not counted in ClinVar's aggregate classification.
Comment: A copy number gain of the genomic region encompassing the full coding sequence of the WARS2 gene has been identified. The boundaries of this event are unknown as they extend beyond the assayed region for this gene and therefore may encompass additional genes. As the precise location of this event is unknown, it may be in tandem or it may be located elsewhere in the genome. This variant has not been reported in the literature in individuals affected with WARS2-related conditions. Experimental studies and prediction algorithms are not available or were not evaluated, and the functional significance of this variant is currently unknown. In summary, the available evidence is currently insufficient to determine the role of this variant in disease. Therefore, it has been classified as a Variant of Uncertain Significance.
ClinVar note: Reason: This record appears to be redundant with a more recent record from the same submitter.
ClinVar note: Notes: SCV002217763 appears to be redundant with SCV003793060.